The following is an entry in ClinVar:

NM_001267550.2(TTN):c.52139A>T (p.Asp17380Val)

Genes: TTN-AS1 (TTN antisense RNA 1; plus strand), TTN (titin; minus strand). Cytogenetic location: 2q31.2.
Variant type: single nucleotide variant.
Coding change: c.52139A>T on transcript NM_001267550.2 (MANE Select); coding-DNA position 52139, A replaced by T.
Protein change: p.Asp17380Val; replaces aspartic acid 17380 with valine.
Molecular consequence: missense variant.
Genome position (GRCh38, 1-based): chr2:178,608,872, T>A on the plus strand (A>T on the coding strand, the complement: TTN is on the minus strand). VCF-style: chr2-178608872-T-A. GRCh37 (hg19) VCF-style: chr2-179473599-T-A.
Other names: p.D15739V:GAT>GTT; p.Asp15739Val; c.44435A>T, p.Asp14812Val (NM_133378.4); c.25319A>T, p.Asp8440Val (NM_133432.3); c.25520A>T, p.Asp8507Val (NM_133437.4); c.52139A>T (LRG_391t1); c.47216A>T, p.Asp15739Val (NM_001256850.1); c.24944A>T, p.Asp8315Val (NM_003319.4); short protein forms D17380V, D14812V, D15739V, D8315V, D8440V, D8507V.
Identifiers: ClinVar variation 130670 (VCV000130670.65), dbSNP rs373305248, ClinGen allele CA289095.
Genomic context (GRCh38, chr2:178,608,872, plus strand): 5'-TCACTGCCACCATCATCAAGGGGTGGTTCCCATTTACAAAGGACTGAGGTCTTTCTGATA[T>A]CTTCAAATACAAAGTTGATTGGTGGTCCCGGTGTATCTAATATTTCAGAAGAGAACAGTA-3'
Protein context (NP_001254479.2, residues 17370-17390): PGPPINFVFE[Asp17380Val]IRKTSVLCKW

ClinVar aggregate classification (germline): Conflicting classifications of pathogenicity. Review status: criteria provided, conflicting classifications (1 of 4 stars). 18 submissions from 14 submitters: Uncertain significance (14); Likely benign (4). Last evaluated 2025-10-08.

Conditions:
TTN-related disorder. Also called: TTN-related condition; TTN-related disease; TTN-related disorders.
Dilated cardiomyopathy 1G (CMD1G). Identifiers: Orphanet 154, MedGen C1858763, MONDO:0011400, OMIM 604145.
Autosomal recessive limb-girdle muscular dystrophy type 2J (LGMDR10). Also called: MUSCULAR DYSTROPHY, LIMB-GIRDLE, AUTOSOMAL RECESSIVE 10; Limb-girdle muscular dystrophy, type 2J. Identifiers: Orphanet 140922, MedGen C1837342, MONDO:0012127, OMIM 608807.
Cardiovascular phenotype. Identifiers: MedGen CN230736.
Myopathy, myofibrillar, 9, with early respiratory failure (MFM9). Also called: Myopathy, distal, with early respiratory failure, autosomal dominant; MYOPATHY, PROXIMAL, WITH EARLY RESPIRATORY MUSCLE INVOLVEMENT; Hereditary myopathy with early respiratory failure; EDSTROM MYOPATHY. Identifiers: Orphanet 178464, Orphanet 34521, MedGen C1863599, MONDO:0011362, OMIM 603689.
Hypertrophic cardiomyopathy 9. Also called: Familial hypertrophic cardiomyopathy 9. Identifiers: MedGen C1861065, MONDO:0013412, OMIM 613765.
Tibial muscular dystrophy (TMD). Also called: Tibial muscular dystrophy, tardive; UDD MYOPATHY; Udd Distal Myopathy – Tibial Muscular Dystrophy. Identifiers: Orphanet 609, MedGen C1838244, MONDO:0010870, OMIM 600334.
Early-onset myopathy with fatal cardiomyopathy (CMYO5). Also called: Salih Myopathy; CONGENITAL MYOPATHY 5 WITH CARDIOMYOPATHY. Identifiers: Orphanet 289377, MedGen C2673677, MONDO:0012714, OMIM 611705. Disease mechanism: loss of function.

Allele frequency attached by ClinVar (database versions not stated): gnomAD 0.00006; TOPMed 0.00006; ESP Exome Variant Server 0.00008.
gnomAD v4.1: 150 of 1,611,304 alleles (0.0093%); highest among the groups gnomAD compares: Non-Finnish European, 0.012%; no homozygotes.

Submissions (18):

Women's Health and Genetics/Laboratory Corporation of America, LabCorp
Classification: Uncertain significance. Last evaluated: 2025-10-08. Review status: criteria provided, single submitter. Criteria: LabCorp Variant Classification Summary - May 2015. Collection method: clinical testing. Allele origin: germline.
Comment: Variant summary: TTN NM_133378 c.44435A>T (p.Asp14812Val), also known as NM_001267550 c.52139A>T(p.Asp17380Val), results in a non-conservative amino acid change in the encoded protein sequence. Algorithms developed to predict the effect of missense changes on protein structure and function are either unavailable or do not agree on the potential impact of this missense change. The variant allele was found at a frequency of 6.9e-05 in 247190 control chromosomes. This frequency is not significantly higher than estimated for disease-causing variants in TTN, allowing no conclusion about variant significance. c.44435A>T has been reported in the literature in individuals with cardiomyopathy (example: Haskell_2017, Verhagen_2018, Roberts_2019). These report(s) do not provide unequivocal conclusions about association of the variant with Autosomal Recessive Titinopathy and other TTN related conditions. To our knowledge, no experimental evidence demonstrating an impact on protein function has been reported. The following publications have been ascertained in the context of this evaluation (PMID: 28611029, 29988065, 31264976). ClinVar contains an entry for this variant (Variation ID: 130670). Based on the evidence outlined above, the variant was classified as uncertain significance.

Mayo Clinic Laboratories, Mayo Clinic
Classification: Uncertain significance. Last evaluated: 2025-08-31. Review status: criteria provided, single submitter. Criteria: ACMG Guidelines, 2015. Collection method: clinical testing. Allele origin: germline. Observed: 1 variant allele.

PreventionGenetics, part of Exact Sciences
Classification: Uncertain significance for TTN-related condition. Last evaluated: 2025-04-18. Review status: criteria provided, single submitter. Criteria: ACMG Guidelines, 2015. Collection method: clinical testing. Allele origin: germline.
Comment: The TTN c.52139A>T variant is predicted to result in the amino acid substitution p.Asp17380Val. This variant has been reported in individuals with left ventricular noncompaction cardiomyopathy or unspecified cardiomyopathy (Table S2, Haskell et al. 2017. PubMed ID: 28611029; Table S1, Verhagen et al. 2018. PubMed ID: 29988065). This variant is reported in 0.014% of alleles in individuals of European (Non-Finnish) descent in gnomAD. Although we suspect that this variant may be benign, at this time, the clinical significance of this variant is uncertain due to the absence of conclusive functional and genetic evidence.

Blueprint Genetics
Classification: Likely benign. Last evaluated: 2024-03-16. Review status: criteria provided, single submitter. Criteria: ACMG Guidelines, 2015. Collection method: clinical testing. Allele origin: germline.

Revvity Omics, Revvity
Classification: Uncertain significance. Last evaluated: 2023-07-21. Review status: criteria provided, single submitter. Criteria: ACMG Guidelines, 2015. Collection method: clinical testing. Allele origin: germline.

Department of Pathology and Laboratory Medicine, Sinai Health System
Classification: Uncertain significance for Tibial muscular dystrophy; Myopathy, myofibrillar, 9, with early respiratory failure; Dilated cardiomyopathy 1G; Autosomal recessive limb-girdle muscular dystrophy type 2J; Early-onset myopathy with fatal cardiomyopathy; Hypertrophic cardiomyopathy 9. Last evaluated: 2020-06-01. Review status: criteria provided, single submitter. Criteria: ACMG Guidelines, 2015. Collection method: research. Allele origin: germline.

GeneDx
Classification: Likely benign. Last evaluated: 2019-03-20. Review status: criteria provided, single submitter. Criteria: GeneDx Variant Classification Process June 2021. Collection method: clinical testing. Allele origin: germline. Affected: yes.

Ambry Genetics
Classification: Uncertain significance for Cardiovascular phenotype. Last evaluated: 2018-08-21. Review status: criteria provided, single submitter. Criteria: Ambry Autosomal Dominant and X-Linked criteria (3/2017). Collection method: clinical testing. Allele origin: germline. Observed: 1 variant allele.
Comment: The p.D14812V variant (also known as c.44435A>T) is located in coding exon 222 of the TTNgene. This alteration results from an A to T substitution at nucleotide position 44435. The aspartic acid at codon 14812 is replaced by valine, an amino acid with highly dissimilar properties. Based on data from the NHLBI Exome Sequencing Project (ESP), the T-allele has an overall frequency of approximately 0.01% (1/11858), having been observed in 0.01% (1/8162) of European American alleles, and not observed in African American alleles studied.This variant was not reported in the Database of Single Nucleotide Polymorphisms (dbSNP) or the 1000 Genomes Project. Based on protein sequence alignment, this amino acid position is not well conserved in available vertebrate species. In addition, this alteration is predicted to be possibly damaging by PolyPhen in silicoanalysis. Since supporting evidence is limited at this time, the clinical significance of this variant remains unclear.Ã¢â‚¬â€¹

Athena Diagnostics
Classification: Uncertain significance. Last evaluated: 2018-06-15. Review status: criteria provided, single submitter. Criteria: Athena Diagnostics Criteria. Collection method: clinical testing. Allele origin: germline.

Illumina Laboratory Services, Illumina
Classification: Likely benign for Tibial muscular dystrophy. Last evaluated: 2018-01-13. Review status: criteria provided, single submitter. Criteria: ICSL Variant Classification Criteria 13 December 2019. Collection method: clinical testing. Allele origin: germline.
Comment: This variant was observed in the ICSL laboratory as part of a predisposition screen in an ostensibly healthy population. It had not been previously curated by ICSL or reported in the Human Gene Mutation Database (HGMD: prior to June 1st, 2018), and was therefore a candidate for classification through an automated scoring system. Utilizing variant allele frequency, disease prevalence and penetrance estimates, and inheritance mode, an automated score was calculated to assess if this variant is too frequent to cause the disease. Based on the score and internal cut-off values, a variant classified as likely benign is not then subjected to further curation. The score for this variant resulted in a classification of likely benign for this disease.

Illumina Laboratory Services, Illumina
Classification: Uncertain significance for Dilated cardiomyopathy 1G. Last evaluated: 2018-01-13. Review status: criteria provided, single submitter. Criteria: ICSL Variant Classification Criteria 13 December 2019. Collection method: clinical testing. Allele origin: germline.

Illumina Laboratory Services, Illumina
Classification: Uncertain significance for Autosomal recessive limb-girdle muscular dystrophy type 2J. Last evaluated: 2018-01-13. Review status: criteria provided, single submitter. Criteria: ICSL Variant Classification Criteria 13 December 2019. Collection method: clinical testing. Allele origin: germline.

Illumina Laboratory Services, Illumina
Classification: Likely benign for Myopathy, myofibrillar, 9, with early respiratory failure. Last evaluated: 2018-01-13. Review status: criteria provided, single submitter. Criteria: ICSL Variant Classification Criteria 13 December 2019. Collection method: clinical testing. Allele origin: germline.
Comment: the same text as in the submission from Illumina Laboratory Services, Illumina above.

Illumina Laboratory Services, Illumina
Classification: Uncertain significance for Early-onset myopathy with fatal cardiomyopathy. Last evaluated: 2018-01-13. Review status: criteria provided, single submitter. Criteria: ICSL Variant Classification Criteria 13 December 2019. Collection method: clinical testing. Allele origin: germline.

Labcorp Genetics (formerly Invitae), Labcorp
Classification: Uncertain significance for Dilated cardiomyopathy 1G; Autosomal recessive limb-girdle muscular dystrophy type 2J. Last evaluated: 2017-06-27. Review status: criteria provided, single submitter. Criteria: Invitae Variant Classification Sherloc (09022015). Collection method: clinical testing. Allele origin: germline.

CeGaT Center for Human Genetics Tuebingen
Classification: Uncertain significance. Last evaluated: 2017-05-01. Review status: criteria provided, single submitter. Criteria: CeGaT Center For Human Genetics Tuebingen Variant Classification Criteria Version 2. Collection method: clinical testing. Allele origin: germline. Affected: yes. Observed: 1 variant allele.

Eurofins Ntd Llc (ga)
Classification: Uncertain significance. Last evaluated: 2017-02-03. Review status: criteria provided, single submitter. Criteria: EGL Classification Definitions 2015. Collection method: clinical testing. Allele origin: germline. Observed: 3 variant alleles, 3 heterozygotes.

Genetic Services Laboratory, University of Chicago
Classification: Uncertain significance. Last evaluated: 2013-08-20. Review status: criteria provided, single submitter. Criteria: ACMG Guidelines, 2007. Collection method: clinical testing. Allele origin: germline.

Literature cited by the submitters: PubMed 28611029 (cited by Women's Health and Genetics/Laboratory Corporation of America, LabCorp); PubMed 29988065 (cited by Women's Health and Genetics/Laboratory Corporation of America, LabCorp); PubMed 31264976 (cited by Women's Health and Genetics/Laboratory Corporation of America, LabCorp).